The following is an entry in ClinVar:

NM_025137.4(SPG11):c.1457-6C>T

Gene: SPG11 (SPG11 vesicle trafficking associated, spatacsin; minus strand). Cytogenetic location: 15q21.1.
Variant type: single nucleotide variant.
Coding change: c.1457-6C>T on transcript NM_025137.4 (MANE Select); 6 bases into the intron before coding-DNA position 1457, C replaced by T.
Molecular consequence: intron variant.
Genome position (GRCh38, 1-based): chr15:44,649,017, G>A on the plus strand (C>T on the coding strand, the complement: SPG11 is on the minus strand). VCF-style: chr15-44649017-G-A. GRCh37 (hg19) VCF-style: chr15-44941215-G-A.
Other names: c.1457-6C>T (NM_001411132.1, NM_001160227.2).
Identifiers: ClinVar variation 3341826 (VCV003341826.16).

ClinVar aggregate classification (germline): Uncertain significance (1 of 4 stars; one submission).

gnomAD v4.1: 1 of 1,610,152 alleles (0.000062%); highest among the groups gnomAD compares: Non-Finnish European, 0.000085%; no homozygotes.

Submission:

CeGaT Center for Human Genetics Tuebingen
Classification: Uncertain significance. Last evaluated: 2024-08-01. Review status: criteria provided, single submitter. Criteria: CeGaT Center For Human Genetics Tuebingen Variant Classification Criteria Version 2. Collection method: clinical testing. Allele origin: germline. Affected: yes. Observed: 1 variant allele.
Comment: SPG11: PM2, BP4